The following is an entry in ClinVar:

ClinVar aggregate classification (germline): Pathogenic/Likely pathogenic. Review status: criteria provided, multiple submitters, no conflicts (2 of 4 stars). 48 submissions from 47 submitters: Pathogenic (36); Likely pathogenic (2). 10 of the submissions do not count toward it. Last evaluated 2026-09-01.

Conditions:
Joubert syndrome 23 (JBTS23). Identifiers: Orphanet 475, MedGen C4084822, MONDO:0014664, OMIM 616490.
Short-rib thoracic dysplasia 14 with polydactyly (SRTD14). Identifiers: Orphanet 397715, MedGen C4225286, MONDO:0014688, OMIM 616546.
KIAA0586-related disorder. Also called: KIAA0586- Related disorders; KIAA0586-related condition.
Isolated cerebellar hypoplasia/agenesis (CHEGDD). Also called: Cerebellar hypoplasia/atrophy, epilepsy, and global developmental delay. Identifiers: Orphanet 1398, Orphanet 2246, MedGen C5231391, MONDO:0008939, OMIM 213000.
Intellectual disability. Also called: Intellectual developmental disorder; Intellectual functioning disability; intellectual disabilities. Identifiers: MedGen C3714756, MeSH D008607, MONDO:0001071, HP:0001249.
Rod-cone dystrophy. Identifiers: MedGen C4551714, HP:0000510.
Inborn genetic diseases. Identifiers: MedGen C0950123, MeSH D030342.
Joubert syndrome and related disorders. Identifiers: Orphanet 140874, MedGen C5679612, MONDO:0015369.
Joubert syndrome. Also called: JOUBERT-BOLTSHAUSER SYNDROME; Familial aplasia of the vermis. Identifiers: Orphanet 475, MedGen C5979921, MONDO:0018772.

Allele frequency attached by ClinVar (database versions not stated): 1000 Genomes Project 30x 0.00265; gnomAD 0.00347 and 0.00342; ExAC 0.00392; 1000 Genomes Project 0.00240; ESP Exome Variant Server 0.00248; gnomAD exomes 0.00305 and 0.00388; TOPMed 0.00396.

Submissions 1 to 7 of 48:

CeGaT Center for Human Genetics Tuebingen
Classification: Pathogenic. Last evaluated: 2026-09-01. Review status: criteria provided, single submitter. Criteria: CeGaT Center For Human Genetics Tuebingen Variant Classification Criteria Version 2. Collection method: clinical testing. Allele origin: germline. Affected: yes. Observed: 23 variant alleles.
Comment: KIAA0586: PM3:Very Strong, PVS1:Strong, PM2:Supporting

PreventionGenetics, part of Exact Sciences
Classification: Pathogenic for KIAA0586-related condition. Last evaluated: 2026-08-25. Review status: criteria provided, single submitter. Criteria: ACMG Guidelines, 2015. Collection method: clinical testing. Allele origin: germline.
Comment: The KIAA0586 c.428delG variant is predicted to result in a frameshift and premature protein termination (p.Arg143Lysfs*4). This variant has been reported in the homozygous and compound heterozygous state in multiple individuals with autosomal recessive Joubert syndrome (Roosing et al. 2015. PubMed ID: 26026149; Bachmann-Gagescu et al. 2015. PubMed ID: 26096313; Stephen et al. 2015. PubMed ID: 26386247; Stark et al. 2017. PubMed ID: 28832562). However, this variant was reported in the homozygous state in a healthy mother and RNA analysis found that this variant escaped nonsense mediated decay (Pauli et al. 2018. PubMed ID: 30120217). It was suggested that this variant may only be causative when found in trans with a more severe pathogenic variant in KIAA0586, or found in the homozygous state with an additional hypomorphic variant in a different ciliopathy gene (Pauli et al. 2018. PubMed ID: 30120217). This variant is reported in 0.83% of alleles in individuals of Ashkenazi Jewish descent in gnomAD and at a global frequency of ~0.3%, including several homozygous individuals, indicating it is relatively common. Given all the evidence, we interpret this variant as pathogenic.

OLLIN Analises Genomicas, OLLIN
Classification: Pathogenic for Short-rib thoracic dysplasia 14 with polydactyly. Last evaluated: 2026-08-06. Review status: criteria provided, single submitter. Criteria: ACMG Guidelines 2015 PMID 25741868. Collection method: clinical testing. Allele origin: germline. Inheritance: Autosomal recessive inheritance.
Comment: This frameshift variant, located in exon 4 (of 31), has been reported in ClinVar (accession VCV000204593.114) and in gnomAD with an allele frequency of 0.38%. However, to our knowledge, it has not been reported in the scientific literature. This variant causes a frameshift and introduces a premature stop codon, which is predicted to result in either a truncated protein or degradation of the mRNA via nonsense-mediated decay (NMD). According to the currently available evidence, this variant has been classified as pathogenic (PVS1, PM3_VS, BS1).

OLLIN Analises Genomicas, OLLIN
Classification: Pathogenic for Joubert syndrome 23. Last evaluated: 2026-02-13. Review status: criteria provided, single submitter. Criteria: ACMG Guidelines 2015 PMID 25741868. Collection method: clinical testing. Allele origin: germline. Observed: 1 variant allele.
Comment: PVS1, PM3_VS, BS1

Labcorp Genetics (formerly Invitae), Labcorp
Classification: Pathogenic for Joubert syndrome 23; Short-rib thoracic dysplasia 14 with polydactyly. Last evaluated: 2026-01-26. Review status: criteria provided, single submitter. Criteria: Invitae Variant Classification Sherloc (09022015). Collection method: clinical testing. Allele origin: germline.
Comment: This sequence change creates a premature translational stop signal (p.Arg143Lysfs*4) in the KIAA0586 gene. It is expected to result in an absent or disrupted protein product. Loss-of-function variants in KIAA0586 are known to be pathogenic (PMID: 26096313, 26166481, 26386044). This variant is present in population databases (rs534542684, gnomAD 0.8%), and has an allele count higher than expected for a pathogenic variant. This premature translational stop signal has been observed in individual(s) with Joubert syndrome (PMID: 26026149, 26096313, 26386247, 26437029, 30120217). It has also been observed to segregate with disease in related individuals. ClinVar contains an entry for this variant (Variation ID: 204593). For these reasons, this variant has been classified as Pathogenic.

Victorian Clinical Genetics Services, Murdoch Childrens Research Institute
Classification: Pathogenic for Joubert syndrome 23. Last evaluated: 2026-01-06. Review status: criteria provided, single submitter. Criteria: ACMG Guidelines, 2015. Collection method: clinical testing. Allele origin: germline.
Comment: This variant is classified as Pathogenic. Evidence in support of pathogenic classification: Variant is predicted to cause nonsense-mediated decay (NMD) and loss of protein (premature termination codon is located at least 54 nucleotides upstream of the final exon-exon junction); Variant is present in gnomAD <0.01 for a recessive condition (v2: 773 heterozygotes, 2 homozygotes); This variant has strong previous evidence of pathogenicity in unrelated individuals. It has been well reported as pathogenic, and as compound heterozygous in the majority of the affected individuals (ClinVar, DECIPHER, PMID: 36788019). Several affected homozygotes have been reported; however, several unaffected homozygotes have also been reported (gnomAD, PMIDs: 36788019, 30120217, 25807282); Other premature termination variants comparable to the one identified in this case have very strong previous evidence for pathogenicity. Many NMD-predicted variants in this gene have been reported as likely pathogenic/pathogenic (ClinVar). Additional information: This variant is heterozygous; This gene is associated with autosomal recessive disease; Functional evidence for this variant is inconclusive. cDNA analysis from an unaffected mother who is homozygous for this variant showed the transcript containing this variant was expressed in her blood cells (PMID: 30120217). Functional studies using cells from an unaffected homozygote showed ciliation and ciliary length indistinguishable from healthy controls without this variant, whereas samples from a compound heterozygous affected individual and a homozygous affected individual showed a reduction of both the percentage of ciliated cells and ciliary length compared with controls (PMID: 36788019); Loss of function is a known mechanism of disease in this gene and is associated with Joubert syndrome 23 (MIM#616490) and short-rib thoracic dysplasia 14 with polydactyly (MIM#616546).

Genetic Services Laboratory, University of Chicago
Classification: Pathogenic. Last evaluated: 2025-12-01. Review status: criteria provided, single submitter. Criteria: ACMG Guidelines, 2015. Collection method: clinical testing. Allele origin: germline.
Comment: The c.428del variant: Is a single base pair deletion in exon 5, c.428del. Results in an amino acid frameshift and creates a premature stop codon 3 amino acids downstream of the change, p.Arg143Lysfs*4. Predicted to result in an abnormal transcript, which may be degraded, or may lead to the production of a truncated KIAA0586 protein with potentially abnormal function. Has been previously described in the compound heterozygous state in individuals with Joubert syndrome (PMIDs: 26026149, 26096313, 26386247, 26437029, 30120217). The c.428delG variant is considered a mild or hypomorphic variant that only causes disease when inherited in trans with a more severe pathogenic variant in the KIAA0586 gene (PMIDs: 29068549, 28125082, 26026149, 26096313, 26386044, 26386247, 30120217). Is reported in the gnomAD v4 database with a frequency of 0.38% in the global population (dbSNP rs534542684). ClinVar contains an entry for this variant (Variation ID: 204593). Collectively this evidence indicates that this variant is a hypomorphic pathogenic allele.

NM_001329943.3(KIAA0586):c.392del (p.Arg131fs)

Gene: KIAA0586 (KIAA0586; plus strand). Cytogenetic location: 14q23.1.
Variant type: Deletion.
Coding change: c.392del on transcript NM_001329943.3 (MANE Select); coding-DNA position 392, one base deleted (G; older notation c.392delG).
Protein change: p.Arg131fs; shifts the reading frame from arginine 131.
Molecular consequence: frameshift variant.
Genome position (GRCh38, 1-based): chr14:58,432,439, G deleted. VCF-style (leftmost placement, unchanged base first): chr14-58432438-AG-A. GRCh37 (hg19) VCF-style: chr14-58899156-AG-A.
Other names: NM_001329943.3(KIAA0586):c.392del; p.Arg131fs; c.428delG (NM_001244189.2); c.428del (NM_001244189.1); c.392del (NM_001329943.2, NM_014749.3); c.428del, p.Arg143fs (NM_001244189.2); c.347del, p.Arg116fs (NM_001244190.2); c.137del, p.Arg46fs (NM_001244191.2, NM_001244192.2, NM_001329945.2 and 2 more transcripts); and 2 more; short protein forms R131fs, R143fs, R116fs, R46fs.
Identifiers: ClinVar variation 204593 (VCV000204593.119), dbSNP rs534542684, ClinGen allele CA204046.